The following is an entry in ClinVar:

NM_001127222.2(CACNA1A):c.*544C>T

Gene: CACNA1A (calcium voltage-gated channel subunit alpha1 A; minus strand). Cytogenetic location: 19p13.13.
Variant type: single nucleotide variant.
Coding change: c.*544C>T on transcript NM_001127222.2 (MANE Select); 544 bases downstream of the stop codon, C replaced by T.
Molecular consequence: 3 prime UTR variant.
Genome position (GRCh38, 1-based): chr19:13,206,769, G>A on the plus strand (C>T on the coding strand, the complement: CACNA1A is on the minus strand). VCF-style: chr19-13206769-G-A. GRCh37 (hg19) VCF-style: chr19-13317583-G-A.
Other names: c.*1277C>T (NM_000068.4, NM_001127221.2, NM_001174080.2); c.*544C>T (NM_023035.3).
Identifiers: ClinVar variation 3233571 (VCV003233571.2), dbSNP rs141221917, ClinGen allele CA305545707.

ClinVar aggregate classification (germline): Benign (1 of 4 stars; one submission).

Allele frequency attached by ClinVar (database versions not stated): gnomAD exomes 0.00281; gnomAD 0.00716; 1000 Genomes Project 0.00819; 1000 Genomes Project 30x 0.00828; TOPMed 0.00877.
gnomAD v4.1: 1,134 of 154,008 alleles (0.74%); highest among the groups gnomAD compares: Admixed American, 2%; 11 homozygotes.

Submission:

Women's Health and Genetics/Laboratory Corporation of America, LabCorp
Classification: Benign. Last evaluated: 2024-03-08. Review status: criteria provided, single submitter. Criteria: LabCorp Variant Classification Summary - May 2015. Collection method: clinical testing. Allele origin: germline.
Comment: Variant summary: CACNA1A c.*1277C>T is located in the untranslated mRNA region downstream of the termination codon. The variant allele was found at a frequency of 0.0071 in 31218 control chromosomes in the gnomAD database, including 4 homozygotes, strongly suggesting that the variant is benign. To our knowledge, no occurrence of c.*1277C>T in individuals affected with Early Infantile Epileptic Encephalopathy 42 or other CACNA1A-related disorders and no experimental evidence demonstrating its impact on protein function have been reported. No submitters have cited clinical-significance assessments for this variant to ClinVar. Based on the evidence outlined above, the variant was classified as benign.